The following is an entry in ClinVar:

ClinVar aggregate classification (germline): Conflicting classifications of pathogenicity. Review status: criteria provided, conflicting classifications (1 of 4 stars). 5 submissions from 5 submitters: Uncertain significance (2); Likely benign (3). Last evaluated 2026-02-03.

Conditions:
Charcot-Marie-Tooth disease type 2A1. Also called: CHARCOT-MARIE-TOOTH DISEASE, AXONAL, TYPE 2A1; CHARCOT-MARIE-TOOTH DISEASE, AXONAL, AUTOSOMAL DOMINANT, TYPE 2A1; CHARCOT-MARIE-TOOTH DISEASE, NEURONAL, TYPE 2A1; CHARCOT-MARIE-TOOTH NEUROPATHY, TYPE 2A1; HEREDITARY MOTOR AND SENSORY NEUROPATHY IIA1. Identifiers: Orphanet 99946, MedGen C1861678, MONDO:0007308, OMIM 118210.
KIF1B-related disorder. Also called: KIF1B-related condition.
Charcot-Marie-Tooth disease type 2. Also called: Charcot-Marie-Tooth type 2. Identifiers: Orphanet 64746, MedGen C0270914, MONDO:0018993.
Neuroblastoma (NB). Identifiers: Orphanet 635, MedGen C0027819, MeSH D009447, MONDO:0005072, HP:0003006.

Allele frequency attached by ClinVar (database versions not stated): gnomAD exomes 0.00004 and 0.00009; ExAC 0.00007; gnomAD 0.00012 and 0.00013; ESP Exome Variant Server 0.00015; TOPMed 0.00017.
gnomAD v4.1: 113 of 1,613,084 alleles (0.007%); highest among the groups gnomAD compares: East Asian, 0.049%; 2 homozygotes.

Submissions (5):

Labcorp Genetics (formerly Invitae), Labcorp
Classification: Uncertain significance for Charcot-Marie-Tooth disease type 2. Last evaluated: 2026-02-03. Review status: criteria provided, single submitter. Criteria: Invitae Variant Classification Sherloc (09022015). Collection method: clinical testing. Allele origin: germline.
Comment: This sequence change replaces cysteine, which is neutral and slightly polar, with tyrosine, which is neutral and polar, at codon 1561 of the KIF1B protein (p.Cys1561Tyr). This variant is present in population databases (rs145969842, gnomAD 0.05%), and has an allele count higher than expected for a pathogenic variant. This variant has not been reported in the literature in individuals affected with KIF1B-related conditions. ClinVar contains an entry for this variant (Variation ID: 291582). An algorithm developed to predict the effect of missense changes on protein structure and function (PolyPhen-2) suggests that this variant is likely to be disruptive. In summary, the available evidence is currently insufficient to determine the role of this variant in disease. Therefore, it has been classified as a Variant of Uncertain Significance.

PreventionGenetics, part of Exact Sciences
Classification: Likely benign for KIF1B-related condition. Last evaluated: 2025-08-13. Review status: criteria provided, single submitter. Criteria: ACMG Guidelines, 2015. Collection method: clinical testing. Allele origin: germline.
Comment: This variant is classified as likely benign based on ACMG/AMP sequence variant interpretation guidelines (Richards et al. 2015 PMID: 25741868, with internal and published modifications).

Ambry Genetics
Classification: Likely benign. Last evaluated: 2021-11-04. Review status: criteria provided, single submitter. Criteria: Ambry Variant Classification Scheme 2023. Collection method: clinical testing. Allele origin: germline.

Revvity Omics, Revvity
Classification: Uncertain significance for Charcot-Marie-Tooth disease type 2A1. Last evaluated: 2019-07-22. Review status: criteria provided, single submitter. Criteria: ACMG Guidelines, 2015. Collection method: clinical testing. Allele origin: germline.

Illumina Laboratory Services, Illumina
Classification: Likely benign for Neuroblastoma. Last evaluated: 2018-01-12. Review status: criteria provided, single submitter. Criteria: ICSL Variant Classification Criteria 13 December 2019. Collection method: clinical testing. Allele origin: germline.
Comment: This variant was observed in the ICSL laboratory as part of a predisposition screen in an ostensibly healthy population. It had not been previously curated by ICSL or reported in the Human Gene Mutation Database (HGMD: prior to June 1st, 2018), and was therefore a candidate for classification through an automated scoring system. Utilizing variant allele frequency, disease prevalence and penetrance estimates, and inheritance mode, an automated score was calculated to assess if this variant is too frequent to cause the disease. Based on the score and internal cut-off values, a variant classified as likely benign is not then subjected to further curation. The score for this variant resulted in a classification of likely benign for this disease.

NM_001365951.3(KIF1B):c.4820G>A (p.Cys1607Tyr)

Gene: KIF1B (kinesin family member 1B; plus strand). Cytogenetic location: 1p36.22.
Variant type: single nucleotide variant.
Coding change: c.4820G>A on transcript NM_001365951.3 (MANE Select); coding-DNA position 4820, G replaced by A.
Protein change: p.Cys1607Tyr; replaces cysteine 1607 with tyrosine.
Molecular consequence: missense variant.
Genome position (GRCh38, 1-based): chr1:10,368,534, G>A. VCF-style: chr1-10368534-G-A. GRCh37 (hg19) VCF-style: chr1-10428592-G-A.
Other names: c.4820G>A, p.Cys1607Tyr (NM_001365952.1); c.4682G>A, p.Cys1561Tyr (NM_015074.3); short protein forms C1561Y, C1607Y.
Identifiers: ClinVar variation 291582 (VCV000291582.20), dbSNP rs145969842, ClinGen allele CA582184.